The following is an entry in ClinVar:

NM_198578.4(LRRK2):c.3778-6A>T

Gene: LRRK2 (leucine rich repeat kinase 2; plus strand). Cytogenetic location: 12q12.
Variant type: single nucleotide variant.
Coding change: c.3778-6A>T on transcript NM_198578.4 (MANE Select); 6 bases into the intron before coding-DNA position 3778, A replaced by T.
Molecular consequence: intron variant.
Genome position (GRCh38, 1-based): chr12:40,305,779, A>T. VCF-style: chr12-40305779-A-T. GRCh37 (hg19) VCF-style: chr12-40699581-A-T.
Identifiers: ClinVar variation 2016447 (VCV002016447.4), dbSNP rs200311005, ClinGen allele CA2580085439.

ClinVar aggregate classification (germline): Uncertain significance (1 of 4 stars; one submission).

Conditions:
Autosomal dominant Parkinson disease 8. Also called: Parkinson disease 8, susceptibility to; LRRK2-Related Parkinson Disease; Parkinson disease 8. Identifiers: Orphanet 411602, MedGen C1846862, MONDO:0011764, OMIM 607060.

Submission:

Labcorp Genetics (formerly Invitae), Labcorp
Classification: Uncertain significance for Autosomal dominant Parkinson disease 8. Last evaluated: 2022-07-13. Review status: criteria provided, single submitter. Criteria: Invitae Variant Classification Sherloc (09022015). Collection method: clinical testing. Allele origin: germline.
Comment: This sequence change falls in intron 27 of the LRRK2 gene. It does not directly change the encoded amino acid sequence of the LRRK2 protein. This variant is not present in population databases (gnomAD no frequency). This variant has not been reported in the literature in individuals affected with LRRK2-related conditions. Algorithms developed to predict the effect of sequence changes on RNA splicing suggest that this variant may disrupt the consensus splice site. In summary, the available evidence is currently insufficient to determine the role of this variant in disease. Therefore, it has been classified as a Variant of Uncertain Significance.